The following is an entry in ClinVar:

NM_181078.3(IL21R):c.433C>A (p.Pro145Thr)

Gene: IL21R (interleukin 21 receptor; plus strand). Cytogenetic location: 16p12.1.
Variant type: single nucleotide variant.
Coding change: c.433C>A on transcript NM_181078.3 (MANE Select); coding-DNA position 433, C replaced by A.
Protein change: p.Pro145Thr; replaces proline 145 with threonine.
Molecular consequence: missense variant.
Genome position (GRCh38, 1-based): chr16:27,443,042, C>A. VCF-style: chr16-27443042-C-A. GRCh37 (hg19) VCF-style: chr16-27454363-C-A.
Other names: c.433C>A, p.Pro145Thr (NM_021798.4); c.499C>A, p.Pro167Thr (NM_181079.5); short protein forms P167T, P145T.
Identifiers: ClinVar variation 2163248 (VCV002163248.2), dbSNP rs749503528, ClinGen allele CA7974970.

ClinVar aggregate classification (germline): Uncertain significance (1 of 4 stars; one submission).

Conditions:
Cryptosporidiosis-chronic cholangitis-liver disease syndrome. Also called: IL21R immunodeficiency; Immunodeficiency type 56. Identifiers: Orphanet 357329, MedGen C3554687, MONDO:0014082, OMIM 615207.

Allele frequency attached by ClinVar (database versions not stated): ExAC 0.00002; TOPMed 0.00003.
gnomAD v4.1: 18 of 1,613,836 alleles (0.0011%); highest among the groups gnomAD compares: Admixed American, 0.025%; no homozygotes.

Submission:

Labcorp Genetics (formerly Invitae), Labcorp
Classification: Uncertain significance for Cryptosporidiosis-chronic cholangitis-liver disease syndrome. Last evaluated: 2022-07-06. Review status: criteria provided, single submitter. Criteria: Invitae Variant Classification Sherloc (09022015). Collection method: clinical testing. Allele origin: germline.
Comment: Algorithms developed to predict the effect of missense changes on protein structure and function are either unavailable or do not agree on the potential impact of this missense change (SIFT: "Deleterious"; PolyPhen-2: "Possibly Damaging"; Align-GVGD: "Class C0"). This variant has not been reported in the literature in individuals affected with IL21R-related conditions. This variant is present in population databases (rs749503528, gnomAD 0.03%). This sequence change replaces proline, which is neutral and non-polar, with threonine, which is neutral and polar, at codon 145 of the IL21R protein (p.Pro145Thr). In summary, the available evidence is currently insufficient to determine the role of this variant in disease. Therefore, it has been classified as a Variant of Uncertain Significance.